The following is an entry in ClinVar:

ClinVar aggregate classification (germline): Uncertain significance (1 of 4 stars; one submission).

Submission:

Ambry Genetics
Classification: Uncertain significance. Last evaluated: 2022-08-08. Review status: criteria provided, single submitter. Criteria: Ambry Variant Classification Scheme 2023. Collection method: clinical testing. Allele origin: germline.
Comment: The p.D733Y variant (also known as c.2197G>T), located in coding exon 13 of the NPAT gene, results from a G to T substitution at nucleotide position 2197. The aspartic acid at codon 733 is replaced by tyrosine, an amino acid with highly dissimilar properties. This amino acid position is conserved. In addition, this alteration is predicted to be tolerated by in silico analysis. Since supporting evidence is limited at this time, the clinical significance of this alteration remains unclear.

NM_002519.3(NPAT):c.2197G>T (p.Asp733Tyr)

Gene: NPAT (nuclear protein, coactivator of histone transcription; minus strand). Cytogenetic location: 11q22.3.
Variant type: single nucleotide variant.
Coding change: c.2197G>T on transcript NM_002519.3 (MANE Select); coding-DNA position 2197, G replaced by T.
Protein change: p.Asp733Tyr; replaces aspartic acid 733 with tyrosine.
Molecular consequence: missense variant.
Genome position (GRCh38, 1-based): chr11:108,172,787, C>A on the plus strand (G>T on the coding strand, the complement: NPAT is on the minus strand). VCF-style: chr11-108172787-C-A. GRCh37 (hg19) VCF-style: chr11-108043514-C-A.
Other names: c.2197G>T, p.Asp733Tyr (NM_001321307.1); short protein forms D733Y.
Identifiers: ClinVar variation 1787510 (VCV001787510.2), dbSNP rs1011474995, ClinGen allele CA382513480.